The following is an entry in ClinVar:

NM_006013.5(RPL10):c.347G>A (p.Arg116Gln)

Gene: RPL10 (ribosomal protein L10; plus strand). Cytogenetic location: Xq28.
Variant type: single nucleotide variant.
Coding change: c.347G>A on transcript NM_006013.5 (MANE Select); coding-DNA position 347, G replaced by A.
Protein change: p.Arg116Gln; replaces arginine 116 with glutamine.
Molecular consequence: missense variant. On other transcripts: synonymous variant (1), intron variant (1).
Genome position (GRCh38, 1-based): chrX:154,400,481, G>A. VCF-style: chrX-154400481-G-A. GRCh37 (hg19) VCF-style: chrX-153628822-G-A.
Other names: c.239G>A, p.Arg80Gln (NM_001256580.2); c.347G>A, p.Arg116Gln (NM_001303624.2, NM_001303625.1); c.336G>A, p.Ala112= (NM_001303626.1); c.330-221G>A (NM_001256577.2); short protein forms R80Q, R116Q.
Identifiers: ClinVar variation 1031592 (VCV001031592.4), dbSNP rs2068007021, ClinGen allele CA415261469.

ClinVar aggregate classification (germline): Uncertain significance. Review status: criteria provided, multiple submitters, no conflicts (2 of 4 stars). 3 submissions from 3 submitters: Uncertain significance (3). Last evaluated 2025-02-07.

Conditions:
Intellectual developmental disorder, X-linked, syndromic 35. Also called: Intellectual disability, X-linked, syndromic, 35. Identifiers: MedGen C4478383, MONDO:0030908, OMIM 300998.

Submissions (3):

GeneDx
Classification: Uncertain significance. Last evaluated: 2025-02-07. Review status: criteria provided, single submitter. Criteria: GeneDx Variant Classification Process June 2021. Collection method: clinical testing. Allele origin: germline. Affected: yes.
Comment: Not observed at significant frequency in large population cohorts (gnomAD); In silico analysis supports that this missense variant has a deleterious effect on protein structure/function; Has not been previously published as pathogenic or benign to our knowledge

Blueprint Genetics
Classification: Uncertain significance. Last evaluated: 2022-05-13. Review status: criteria provided, single submitter. Criteria: ACMG Guidelines, 2015. Collection method: clinical testing. Allele origin: germline.

Baylor Genetics
Classification: Uncertain significance for Intellectual developmental disorder, X-linked, syndromic 35. Last evaluated: 2018-10-05. Review status: criteria provided, single submitter. Criteria: ACMG Guidelines, 2015. Collection method: clinical testing. Allele origin: de novo. Affected: yes.
Comment: This variant was determined to be of uncertain significance according to ACMG Guidelines, 2015 [PMID:25741868].